The following is an entry in ClinVar:

ClinVar aggregate classification (germline): Uncertain significance. Review status: criteria provided, multiple submitters, no conflicts (2 of 4 stars). 2 submissions from 2 submitters: Uncertain significance (2). Last evaluated 2026-07-06.

Conditions:
Wilms tumor 1 (WT1). Also called: Wilms tumor, somatic. Identifiers: Orphanet 654, MedGen CN033288, MONDO:0008679, OMIM 194070.
11p partial monosomy syndrome (WAGR). Also called: CHROMOSOME 11p13 DELETION SYNDROME; WAGR syndrome; WAGR Complex; WAGR Spectrum Disorder. Identifiers: Orphanet 893, MedGen C0206115, MONDO:0008681, OMIM 194072.
Drash syndrome (DDS). Also called: NEPHROPATHY, WILMS TUMOR, AND GENITAL ANOMALIES; WILMS TUMOR AND PSEUDO- OR TRUE HERMAPHRODITISM. Identifiers: Orphanet 220, MedGen C0950121, MONDO:0008682, OMIM 194080.
Frasier syndrome. Identifiers: Orphanet 347, MedGen C0950122, MeSH D052159, MONDO:0007635, OMIM 136680.
Inborn genetic diseases. Identifiers: MedGen C0950123, MeSH D030342.

Allele frequency attached by ClinVar (database versions not stated): gnomAD 0.00001.
gnomAD v4.1: 3 of 1,522,320 alleles (0.0002%); highest among the groups gnomAD compares: Non-Finnish European, 0.00026%; no homozygotes.

Submissions (2):

Ambry Genetics
Classification: Uncertain significance for Inborn genetic diseases. Last evaluated: 2026-07-06. Review status: criteria provided, single submitter. Criteria: Ambry Variant Classification Scheme 2023. Collection method: clinical testing. Allele origin: germline.
Comment: The p.R56P variant (also known as c.167G>C), located in coding exon 1 of the WT1 gene, results from a G to C substitution at nucleotide position 167. The arginine at codon 56 is replaced by proline, an amino acid with dissimilar properties. This amino acid position is conserved. In addition, this alteration is predicted to be tolerated by in silico analysis. Based on the available evidence, the clinical significance of this variant remains unclear.

Labcorp Genetics (formerly Invitae), Labcorp
Classification: Uncertain significance for Wilms tumor 1; Drash syndrome; 11p partial monosomy syndrome; Frasier syndrome. Last evaluated: 2024-08-31. Review status: criteria provided, single submitter. Criteria: Invitae Variant Classification Sherloc (09022015). Collection method: clinical testing. Allele origin: germline.
Comment: This sequence change replaces arginine, which is basic and polar, with proline, which is neutral and non-polar, at codon 56 of the WT1 protein (p.Arg56Pro). The frequency data for this variant in the population databases is considered unreliable, as metrics indicate poor data quality at this position in the gnomAD database. This variant has not been reported in the literature in individuals affected with WT1-related conditions. ClinVar contains an entry for this variant (Variation ID: 1932336). An algorithm developed to predict the effect of missense changes on protein structure and function (PolyPhen-2) suggests that this variant is likely to be disruptive. In summary, the available evidence is currently insufficient to determine the role of this variant in disease. Therefore, it has been classified as a Variant of Uncertain Significance.

NM_024426.6(WT1):c.182G>C (p.Arg61Pro)

Genes: WT1 (WT1 transcription factor; minus strand), LOC107982234 (WT1/WT1-AS bi-directional promoter region; plus strand). Cytogenetic location: 11p13.
Variant type: single nucleotide variant.
Coding change: c.182G>C on transcript NM_024426.6 (MANE Select); coding-DNA position 182, G replaced by C.
Protein change: p.Arg61Pro; replaces arginine 61 with proline.
Molecular consequence: missense variant. On other transcripts: non-coding transcript variant (1).
Genome position (GRCh38, 1-based): chr11:32,435,179, C>G on the plus strand (G>C on the coding strand, the complement: WT1 is on the minus strand). VCF-style: chr11-32435179-C-G. GRCh37 (hg19) VCF-style: chr11-32456725-C-G.
Other names: c.167G>C (NM_024426.4); c.182G>C, p.Arg61Pro (NM_000378.6, NM_001407044.1, NM_001407045.1 and 6 more transcripts); c.167G>C, p.Arg56Pro (NM_024425.2); short protein forms R56P, R61P.
Identifiers: ClinVar variation 1932336 (VCV001932336.6), dbSNP rs1305856872, ClinGen allele CA379966213.